The following is an entry in ClinVar:

ClinVar aggregate classification (germline): Uncertain significance (1 of 4 stars; one submission).

Submission:

Labcorp Genetics (formerly Invitae), Labcorp
Classification: Uncertain significance. Last evaluated: 2024-02-24. Review status: criteria provided, single submitter. Criteria: Invitae Variant Classification Sherloc (09022015). Collection method: clinical testing. Allele origin: germline.
Comment: This sequence change replaces arginine, which is basic and polar, with proline, which is neutral and non-polar, at codon 95 of the WHRN protein (p.Arg95Pro). This variant is not present in population databases (gnomAD no frequency). This variant has not been reported in the literature in individuals affected with WHRN-related conditions. ClinVar contains an entry for this variant (Variation ID: 1465379). An algorithm developed to predict the effect of missense changes on protein structure and function (PolyPhen-2) suggests that this variant is likely to be disruptive. In summary, the available evidence is currently insufficient to determine the role of this variant in disease. Therefore, it has been classified as a Variant of Uncertain Significance.

NM_015404.4(WHRN):c.284G>C (p.Arg95Pro)

Gene: WHRN (whirlin; minus strand). Cytogenetic location: 9q32.
Variant type: single nucleotide variant.
Coding change: c.284G>C on transcript NM_015404.4 (MANE Select); coding-DNA position 284, G replaced by C.
Protein change: p.Arg95Pro; replaces arginine 95 with proline.
Molecular consequence: missense variant.
Genome position (GRCh38, 1-based): chr9:114,504,518, C>G on the plus strand (G>C on the coding strand, the complement: WHRN is on the minus strand). VCF-style: chr9-114504518-C-G. GRCh37 (hg19) VCF-style: chr9-117266798-C-G.
Other names: c.284G>C, p.Arg95Pro (NM_001173425.2); short protein forms R95P.
Identifiers: ClinVar variation 1465379 (VCV001465379.6), dbSNP rs2133479249, ClinGen allele CA374613227.